The following is an entry in ClinVar:

NM_198253.3(TERT):c.1262C>T (p.Pro421Leu)

Gene: TERT (telomerase reverse transcriptase; minus strand). Cytogenetic location: 5p15.33.
Variant type: single nucleotide variant.
Coding change: c.1262C>T on transcript NM_198253.3 (MANE Select); coding-DNA position 1262, C replaced by T.
Protein change: p.Pro421Leu; replaces proline 421 with leucine.
Molecular consequence: missense variant. On other transcripts: non-coding transcript variant (2).
Genome position (GRCh38, 1-based): chr5:1,293,624, G>A on the plus strand (C>T on the coding strand, the complement: TERT is on the minus strand). VCF-style: chr5-1293624-G-A. GRCh37 (hg19) VCF-style: chr5-1293739-G-A.
Other names: c.1262C>T, p.Pro421Leu (NM_001193376.3, NM_003219.1); short protein forms P421L.
Identifiers: ClinVar variation 2931260 (VCV002931260.3), dbSNP rs1751143064, ClinGen allele CA359086412.

ClinVar aggregate classification (germline): Uncertain significance (1 of 4 stars; one submission).

Conditions:
Idiopathic Pulmonary Fibrosis. Also called: Idiopathic fibrosing alveolitis, chronic form; idiopathic fibrosing alveolitis. Identifiers: Orphanet 2032, MedGen C1800706, MeSH D054990, MONDO:0800504.
Dyskeratosis congenita, autosomal dominant 2. Identifiers: MedGen C3151443, MONDO:0013521, OMIM 613989.

Allele frequency attached by ClinVar (database versions not stated): TOPMed below 0.00001.

Submission:

Labcorp Genetics (formerly Invitae), Labcorp
Classification: Uncertain significance for Dyskeratosis congenita, autosomal dominant 2; Idiopathic Pulmonary Fibrosis. Last evaluated: 2023-11-02. Review status: criteria provided, single submitter. Criteria: Invitae Variant Classification Sherloc (09022015). Collection method: clinical testing. Allele origin: germline.
Comment: This sequence change replaces proline, which is neutral and non-polar, with leucine, which is neutral and non-polar, at codon 421 of the TERT protein (p.Pro421Leu). This variant is not present in population databases (gnomAD no frequency). This variant has not been reported in the literature in individuals affected with TERT-related conditions. Advanced modeling of protein sequence and biophysical properties (such as structural, functional, and spatial information, amino acid conservation, physicochemical variation, residue mobility, and thermodynamic stability) performed at Invitae indicates that this missense variant is not expected to disrupt TERT protein function with a negative predictive value of 95%. In summary, the available evidence is currently insufficient to determine the role of this variant in disease. Therefore, it has been classified as a Variant of Uncertain Significance.